The following is an entry in ClinVar:

ClinVar aggregate classification (germline): Uncertain significance. Review status: criteria provided, multiple submitters, no conflicts (2 of 4 stars). 4 submissions from 4 submitters: Uncertain significance (4). Last evaluated 2024-08-06.

Conditions:
Cardiovascular phenotype. Identifiers: MedGen CN230736.
Arrhythmogenic cardiomyopathy with wooly hair and keratoderma. Also called: Arrhythmogenic cardiomyopathy with woolly hair and keratoderma; PALMOPLANTAR KERATODERMA WITH LEFT VENTRICULAR CARDIOMYOPATHY AND WOOLLY HAIR; Carvajal syndrome; Dilated cardiomyopathy with woolly hair and keratoderma. Identifiers: Orphanet 65282, MedGen C1854063, MONDO:0011581, OMIM 605676.
Arrhythmogenic right ventricular dysplasia 8 (ARVD8). Also called: ARRHYTHMOGENIC RIGHT VENTRICULAR DYSPLASIA, FAMILIAL, 8; ARRHYTHMOGENIC RIGHT VENTRICULAR CARDIOMYOPATHY 8; Arrhythmogenic Right Ventricular Dysplasia/Cardiomyopathy 8. Identifiers: MedGen C1843896, MONDO:0011831, OMIM 607450.
Cardiomyopathy (CMYO). Also called: Cardiomyopathies. Identifiers: Orphanet 167848, MedGen C0878544, MONDO:0004994, HP:0001638. Inheritance: Various modes of inheritance.

Allele frequency attached by ClinVar (database versions not stated): TOPMed 0.00001; gnomAD 0.00003.
gnomAD v4.1: 4 of 1,612,786 alleles (0.00025%); highest among the groups gnomAD compares: Non-Finnish European, 0.00034%; no homozygotes.

Submissions (4):

All of Us Research Program, National Institutes of Health
Classification: Uncertain significance for Arrhythmogenic cardiomyopathy with wooly hair and keratoderma. Last evaluated: 2024-08-06. Review status: criteria provided, single submitter. Criteria: ACMG Guidelines, 2015. Collection method: clinical testing. Allele origin: germline. Inheritance: Autosomal dominant inheritance. Observed: 2 variant alleles, 2 heterozygotes.
Comment: This missense variant replaces glycine with valine at codon 193 of the DSP protein. Computational prediction suggests that this variant may not impact protein structure and function (internally defined REVEL score threshold <= 0.5, PMID: 27666373). To our knowledge, functional studies have not been reported for this variant. This variant has not been reported in individuals affected with cardiovascular disorders in the literature. This variant has been identified in 1/31390 chromosomes in the general population by the Genome Aggregation Database (gnomAD). The available evidence is insufficient to determine the role of this variant in disease conclusively. Therefore, this variant is classified as a Variant of Uncertain Significance.

This study involves interpretation of variants in research participants for the purpose of population health screening. Participant phenotype was not available at the time of variant classification. Additional details can be found in publication PMID: 35346344, PMCID: PMC8962531

Color Diagnostics, LLC DBA Color Health
Classification: Uncertain significance for Cardiomyopathy. Last evaluated: 2024-03-07. Review status: criteria provided, single submitter. Criteria: ACMG Guidelines, 2015. Collection method: clinical testing. Allele origin: germline.
Comment: This missense variant replaces glycine with valine at codon 193 of the DSP protein. Computational prediction suggests that this variant may not impact protein structure and function (internally defined REVEL score threshold <= 0.5, PMID: 27666373). To our knowledge, functional studies have not been reported for this variant. This variant has not been reported in individuals affected with cardiovascular disorders in the literature. This variant has been identified in 1/31390 chromosomes in the general population by the Genome Aggregation Database (gnomAD). The available evidence is insufficient to determine the role of this variant in disease conclusively. Therefore, this variant is classified as a Variant of Uncertain Significance.

Labcorp Genetics (formerly Invitae), Labcorp
Classification: Uncertain significance for Arrhythmogenic cardiomyopathy with wooly hair and keratoderma; Arrhythmogenic right ventricular dysplasia 8. Last evaluated: 2021-09-01. Review status: criteria provided, single submitter. Criteria: Invitae Variant Classification Sherloc (09022015). Collection method: clinical testing. Allele origin: germline.
Comment: This sequence change replaces glycine with valine at codon 193 of the DSP protein (p.Gly193Val). The glycine residue is moderately conserved and there is a moderate physicochemical difference between glycine and valine. This variant is not present in population databases (ExAC no frequency). This variant has not been reported in the literature in individuals affected with DSP-related conditions. Algorithms developed to predict the effect of missense changes on protein structure and function are either unavailable or do not agree on the potential impact of this missense change (SIFT: "Deleterious"; PolyPhen-2: "Possibly Damaging"; Align-GVGD: "Class C0"). Algorithms developed to predict the effect of sequence changes on RNA splicing suggest that this variant may create or strengthen a splice site. In summary, the available evidence is currently insufficient to determine the role of this variant in disease. Therefore, it has been classified as a Variant of Uncertain Significance.

Ambry Genetics
Classification: Uncertain significance for Cardiovascular phenotype. Last evaluated: 2019-09-27. Review status: criteria provided, single submitter. Criteria: Ambry Variant Classification Scheme 2023. Collection method: clinical testing. Allele origin: germline.
Comment: The p.G193V variant (also known as c.578G>T), located in coding exon 4 of the DSP gene, results from a G to T substitution at nucleotide position 578. The glycine at codon 193 is replaced by valine, an amino acid with dissimilar properties. This amino acid position is well conserved in available vertebrate species. In addition, the in silico prediction for this alteration is inconclusive. Since supporting evidence is limited at this time, the clinical significance of this alteration remains unclear.

NM_004415.4(DSP):c.578G>T (p.Gly193Val)

Gene: DSP (desmoplakin; plus strand). Cytogenetic location: 6p24.3.
Variant type: single nucleotide variant.
Coding change: c.578G>T on transcript NM_004415.4 (MANE Select); coding-DNA position 578, G replaced by T.
Protein change: p.Gly193Val; replaces glycine 193 with valine.
Molecular consequence: missense variant.
Genome position (GRCh38, 1-based): chr6:7,559,381, G>T. VCF-style: chr6-7559381-G-T. GRCh37 (hg19) VCF-style: chr6-7559614-G-T.
Other names: c.578G>T (LRG_423t1); c.578G>T, p.Gly193Val (NM_001008844.3, NM_001319034.2); short protein forms G193V.
Identifiers: ClinVar variation 566435 (VCV000566435.12), dbSNP rs750350474, ClinGen allele CA362672829.